The following is an entry in ClinVar:

NM_018897.3(DNAH7):c.6118-10T>G

Gene: DNAH7 (dynein axonemal heavy chain 7; minus strand). Cytogenetic location: 2q32.3.
Variant type: single nucleotide variant.
Coding change: c.6118-10T>G on transcript NM_018897.3 (MANE Select); 10 bases into the intron before coding-DNA position 6118, T replaced by G.
Molecular consequence: intron variant.
Genome position (GRCh38, 1-based): chr2:195,875,853, A>C on the plus strand (T>G on the coding strand, the complement: DNAH7 is on the minus strand). VCF-style: chr2-195875853-A-C. GRCh37 (hg19) VCF-style: chr2-196740577-A-C.
Identifiers: ClinVar variation 3035063 (VCV003035063.2), dbSNP rs770946223, ClinGen allele CA2035193.

ClinVar aggregate classification (germline): Likely benign (0 of 4 stars; one submission).

Conditions:
DNAH7-related disorder. Also called: DNAH7-related condition.

Allele frequency attached by ClinVar (database versions not stated): gnomAD exomes 0.00003; TOPMed 0.00006; ExAC 0.00007; gnomAD 0.00007.
gnomAD v4.1: 53 of 1,592,430 alleles (0.0033%); highest among the groups gnomAD compares: Non-Finnish European, 0.00026%; no homozygotes.

Submission:

PreventionGenetics, part of Exact Sciences
Classification: Likely benign for DNAH7-related condition. Last evaluated: 2019-07-30. Review status: no assertion criteria provided. Collection method: clinical testing. Allele origin: germline.
Comment: This variant is classified as likely benign based on ACMG/AMP sequence variant interpretation guidelines (Richards et al. 2015 PMID: 25741868, with internal and published modifications).